The following is an entry in ClinVar:

ClinVar aggregate classification (germline): Uncertain significance (1 of 4 stars; one submission).

Conditions:
Congenital sideroblastic anemia-B-cell immunodeficiency-periodic fever-developmental delay syndrome. Also called: Sideroblastic anemia with B-cell immunodeficiency, periodic fevers, and developmental delay. Identifiers: Orphanet 369861, MedGen C4015172, MONDO:0014487, OMIM 616084.

Submission:

Labcorp Genetics (formerly Invitae), Labcorp
Classification: Uncertain significance for Congenital sideroblastic anemia-B-cell immunodeficiency-periodic fever-developmental delay syndrome. Last evaluated: 2022-02-20. Review status: criteria provided, single submitter. Criteria: Invitae Variant Classification Sherloc (09022015). Collection method: clinical testing. Allele origin: germline.
Comment: This variant has not been reported in the literature in individuals affected with TRNT1-related conditions. In summary, the available evidence is currently insufficient to determine the role of this variant in disease. Therefore, it has been classified as a Variant of Uncertain Significance. Algorithms developed to predict the effect of sequence changes on RNA splicing suggest that this variant may disrupt the consensus splice site. Algorithms developed to predict the effect of missense changes on protein structure and function (SIFT, PolyPhen-2, Align-GVGD) all suggest that this variant is likely to be tolerated. This variant is not present in population databases (gnomAD no frequency). This sequence change replaces alanine, which is neutral and non-polar, with glycine, which is neutral and non-polar, at codon 264 of the TRNT1 protein (p.Ala264Gly).

NM_182916.3(TRNT1):c.791C>G (p.Ala264Gly)

Gene: TRNT1 (tRNA nucleotidyl transferase 1; plus strand). Cytogenetic location: 3p26.2.
Variant type: single nucleotide variant.
Coding change: c.791C>G on transcript NM_182916.3 (MANE Select); coding-DNA position 791, C replaced by G.
Protein change: p.Ala264Gly; replaces alanine 264 with glycine.
Molecular consequence: missense variant. On other transcripts: non-coding transcript variant (6), intron variant (1).
Genome position (GRCh38, 1-based): chr3:3,146,612, C>G. VCF-style: chr3-3146612-C-G. GRCh37 (hg19) VCF-style: chr3-3188296-C-G.
Other names: c.791C>G, p.Ala264Gly (NM_001367321.1, NM_001367322.1, NM_001367323.1); c.742+49C>G (NM_001302946.2); short protein forms A264G.
Identifiers: ClinVar variation 2100205 (VCV002100205.4), dbSNP rs2471343131, ClinGen allele CA351447306.